The following is an entry in ClinVar:

NM_000214.3(JAG1):c.3017C>T (p.Pro1006Leu)

Gene: JAG1 (jagged canonical Notch ligand 1; minus strand). Cytogenetic location: 20p12.2.
Variant type: single nucleotide variant.
Coding change: c.3017C>T on transcript NM_000214.3 (MANE Select); coding-DNA position 3017, C replaced by T.
Protein change: p.Pro1006Leu; replaces proline 1006 with leucine.
Molecular consequence: missense variant.
Genome position (GRCh38, 1-based): chr20:10,641,144, G>A on the plus strand (C>T on the coding strand, the complement: JAG1 is on the minus strand). VCF-style: chr20-10641144-G-A. GRCh37 (hg19) VCF-style: chr20-10621792-G-A.
Other names: c.3017C>T (NM_000214.2); short protein forms P1006L.
Identifiers: ClinVar variation 1431704 (VCV001431704.20), dbSNP rs747142039, ClinGen allele CA9764323.
Genomic context (GRCh38, chr20:10,641,144, plus strand): 5'-AATGAGGTGTGAATGGGTCTTATACTTACAATGGCCACATGTATTTCATTGTTCGCTGAA[G>A]GGGAAGGCTCGCAAGCGATGTAGATTGAATATTCAGCGGAAACATTCTTCAAAATATTCA-3'
Protein context (NP_000205.1, residues 996-1016): YSIYIACEPS[Pro1006Leu]SANNEIHVAI

ClinVar aggregate classification (germline): Conflicting classifications of pathogenicity. Review status: criteria provided, conflicting classifications (1 of 4 stars). 5 submissions from 5 submitters: Uncertain significance (2); Likely benign (3). Last evaluated 2026-01-02.

Conditions:
Alagille syndrome due to a JAG1 point mutation. Also called: JAG1-Related Alagille Syndrome; Alagille Syndrome 1; HEPATIC DUCTULAR HYPOPLASIA, SYNDROMATIC. Identifiers: Orphanet 261619, Orphanet 52, MedGen C1956125, MONDO:0016862, OMIM 118450.
Charcot-Marie-Tooth disease, axonal, Type 2HH. Also called: CHARCOT-MARIE-TOOTH NEUROPATHY, TYPE 2HH. Identifiers: MedGen C5562003, MONDO:0030458, OMIM 619574.
Deafness, congenital heart defects, and posterior embryotoxon (DCHE). Identifiers: MedGen C1866053, MONDO:0060713, OMIM 617992.
Tetralogy of Fallot (TOF). Identifiers: Orphanet 3303, MedGen C0039685, MONDO:0008542, OMIM 187500, HP:0001636.
Cardiovascular phenotype. Identifiers: MedGen CN230736.

Allele frequency attached by ClinVar (database versions not stated): TOPMed below 0.00001; gnomAD 0.00001; gnomAD exomes 0.00001 and 0.00002; ExAC 0.00005.

Submissions (5):

Ambry Genetics
Classification: Likely benign for Cardiovascular phenotype. Last evaluated: 2026-01-02. Review status: criteria provided, single submitter. Criteria: Ambry Variant Classification Scheme 2023. Collection method: clinical testing. Allele origin: germline.

Labcorp Genetics (formerly Invitae), Labcorp
Classification: Likely benign for Alagille syndrome due to a JAG1 point mutation. Last evaluated: 2025-07-21. Review status: criteria provided, single submitter. Criteria: Invitae Variant Classification Sherloc (09022015). Collection method: clinical testing. Allele origin: germline.

CeGaT Center for Human Genetics Tuebingen
Classification: Likely benign. Last evaluated: 2025-06-01. Review status: criteria provided, single submitter. Criteria: CeGaT Center For Human Genetics Tuebingen Variant Classification Criteria Version 2. Collection method: clinical testing. Allele origin: germline. Affected: yes. Observed: 1 variant allele.
Comment: JAG1: BP4

Fulgent Genetics
Classification: Uncertain significance for Alagille syndrome due to a JAG1 point mutation; Tetralogy of Fallot; Deafness, congenital heart defects, and posterior embryotoxon; Charcot-Marie-Tooth disease, axonal, Type 2HH. Last evaluated: 2022-03-07. Review status: criteria provided, single submitter. Criteria: ACMG Guidelines, 2015. Collection method: clinical testing. Allele origin: unknown.

Centre of Medical Genetics, University Hospital Muenster
Classification: Uncertain significance. Last evaluated: 2021-12-15. Review status: criteria provided, single submitter. Criteria: ACMG Guidelines, 2015. Collection method: clinical testing. Allele origin: unknown. Affected: yes. Observed: 1 variant allele, 1 heterozygote.
Comment: ACMG categories: PM2,BP1